The following is an entry in ClinVar:

NM_000531.6(OTC):c.946T>G (p.Phe316Val)

Gene: OTC (ornithine transcarbamylase; plus strand). Cytogenetic location: Xp11.4.
Variant type: single nucleotide variant.
Coding change: c.946T>G on transcript NM_000531.6 (MANE Select); coding-DNA position 946, T replaced by G.
Protein change: p.Phe316Val; replaces phenylalanine 316 with valine.
Molecular consequence: missense variant.
Genome position (GRCh38, 1-based): chrX:38,411,940, T>G. VCF-style: chrX-38411940-T-G. GRCh37 (hg19) VCF-style: chrX-38271193-T-G.
Other names: short protein forms F316V.
Identifiers: ClinVar variation 870331 (VCV000870331.2), dbSNP rs2068545602, ClinGen allele CA412726383.

ClinVar aggregate classification (germline): Pathogenic (0 of 4 stars; one submission).

Conditions:
Ornithine carbamoyltransferase deficiency (OTCD). Also called: OTC DEFICIENCY; Ornithine Carbamoyltransferase Deficiency Disease; ORNITHINE TRANSCARBAMYLASE DEFICIENCY; ORNITHINE TRANSCARBAMYLASE DEFICIENCY, HYPERAMMONEMIA DUE TO. Identifiers: Orphanet 664, MedGen C0268542, MONDO:0010703, OMIM 311250.

Submission:

Molecular Genetics laboratory, Necker Hospital
Classification: Pathogenic for Ornithine carbamoyltransferase deficiency. Review status: no assertion criteria provided. Collection method: clinical testing. Allele origin: maternal. Inheritance: X-linked inheritance. Affected: yes.
Comment: 2 boys with an infantile form